The following is an entry in ClinVar:

NM_007055.4(POLR3A):c.1030C>T (p.Arg344Cys)

Gene: POLR3A (RNA polymerase III subunit A; minus strand). Cytogenetic location: 10q22.3.
Variant type: single nucleotide variant.
Coding change: c.1030C>T on transcript NM_007055.4 (MANE Select); coding-DNA position 1030, C replaced by T.
Protein change: p.Arg344Cys; replaces arginine 344 with cysteine.
Molecular consequence: missense variant.
Genome position (GRCh38, 1-based): chr10:78,021,878, G>A on the plus strand (C>T on the coding strand, the complement: POLR3A is on the minus strand). VCF-style: chr10-78021878-G-A. GRCh37 (hg19) VCF-style: chr10-79781636-G-A.
Other names: short protein forms R344C.
Identifiers: ClinVar variation 4882531 (VCV004882531.2).

ClinVar aggregate classification (germline): Uncertain significance (1 of 4 stars; one submission).

gnomAD v4.1: 9 of 1,613,876 alleles (0.00056%); highest among the groups gnomAD compares: Admixed American, 0.0017%; no homozygotes.

Submission:

Dasa
Classification: Uncertain significance. Last evaluated: 2025-06-29. Review status: criteria provided, single submitter. Criteria: DASA Assertion Criteria. Collection method: clinical testing. Allele origin: germline.
Comment: NM_007055.4(POLR3A):c.1030C>T (p.Arg344Cys) is a missense variant that results in the substitution of arginine with cysteine. This variant is rare in population databases. The currently available literature and clinical evidence are not sufficient to establish a definitive association between this variant and the reported condition. Therefore, this variant is classified as a variant of uncertain significance.